The following is an entry in ClinVar:

ClinVar aggregate classification (germline): Benign. Review status: criteria provided, multiple submitters, no conflicts (2 of 4 stars). 6 submissions from 6 submitters: Benign (5). 1 of the submissions does not count toward it. Last evaluated 2025-07-31.

Conditions:
SLCO1B3-related disorder. Also called: SLCO1B3-related condition.
Rotor syndrome (HBLRR). Also called: HYPERBILIRUBINEMIA, ROTOR TYPE, DIGENIC; HYPERBILIRUBINEMIA, ROTOR TYPE. Identifiers: Orphanet 3111, MedGen C0220991, MONDO:0009379, OMIM 237450.

Allele frequency attached by ClinVar (database versions not stated): 1000 Genomes Project 30x 0.69613; 1000 Genomes Project 0.70248; gnomAD 0.71410 and 0.72301; TOPMed 0.71706; ESP Exome Variant Server 0.72282; ExAC 0.80436; gnomAD exomes 0.80828 and 0.84072.
gnomAD v4.1: 1,330,641 of 1,604,866 alleles (83%); highest among the groups gnomAD compares: South Asian, 91%; 559,664 homozygotes.

Submissions (6):

ARUP Laboratories, Molecular Genetics and Genomics, ARUP Laboratories
Classification: Benign for Rotor syndrome. Last evaluated: 2025-07-31. Review status: criteria provided, single submitter. Criteria: ARUP Molecular Germline Variant Investigation Process 2024. Collection method: clinical testing. Allele origin: germline.

Genome-Nilou Lab
Classification: Benign for Rotor syndrome. Last evaluated: 2021-07-15. Review status: criteria provided, single submitter. Criteria: ACMG Guidelines, 2015. Collection method: clinical testing. Allele origin: germline. Affected: no.

GeneDx
Classification: Benign. Last evaluated: 2018-11-12. Review status: criteria provided, single submitter. Criteria: GeneDx Variant Classification Process June 2021. Collection method: clinical testing. Allele origin: germline. Affected: yes.

Illumina Laboratory Services, Illumina
Classification: Benign for Rotor syndrome. Last evaluated: 2018-01-12. Review status: criteria provided, single submitter. Criteria: ICSL Variant Classification Criteria 13 December 2019. Collection method: clinical testing. Allele origin: germline.
Comment: This variant was observed in the ICSL laboratory as part of a predisposition screen in an ostensibly healthy population. It had not been previously curated by ICSL or reported in the Human Gene Mutation Database (HGMD: prior to June 1st, 2018), and was therefore a candidate for classification through an automated scoring system. Utilizing variant allele frequency, disease prevalence and penetrance estimates, and inheritance mode, an automated score was calculated to assess if this variant is too frequent to cause the disease. Based on the score and internal cut-off values, a variant classified as benign is not then subjected to further curation. The score for this variant resulted in a classification of benign for this disease.

Breakthrough Genomics
Classification: Benign. Review status: criteria provided, single submitter. Criteria: ACMG Guidelines, 2015. Collection method: not provided. Allele origin: germline. Inheritance: Autosomal recessive inheritance. Affected: yes.

PreventionGenetics, part of Exact Sciences
Classification: Benign for SLCO1B3-related condition. Last evaluated: 2021-12-29. Review status: no assertion criteria provided. Collection method: clinical testing. Allele origin: germline. Not counted in ClinVar's aggregate classification.
Comment: This variant is classified as benign based on ACMG/AMP sequence variant interpretation guidelines (Richards et al. 2015 PMID: 25741868, with internal and published modifications).

NM_019844.4(SLCO1B3):c.699G>A (p.Met233Ile)

Genes: SLCO1B3 (solute carrier organic anion transporter family member 1B3; plus strand), SLCO1B3-SLCO1B7 (SLCO1B3-SLCO1B7 readthrough; plus strand). Cytogenetic location: 12p12.2.
Variant type: single nucleotide variant.
Coding change: c.699G>A on transcript NM_019844.4 (MANE Select); coding-DNA position 699, G replaced by A.
Protein change: p.Met233Ile; replaces methionine 233 with isoleucine.
Molecular consequence: missense variant.
Genome position (GRCh38, 1-based): chr12:20,862,826, G>A. VCF-style: chr12-20862826-G-A. GRCh37 (hg19) VCF-style: chr12-21015760-G-A.
Other names: c.615G>A, p.Met205Ile (NM_001349920.2); short protein forms M233I, M205I.
Identifiers: ClinVar variation 261186 (VCV000261186.27), dbSNP rs7311358, ClinGen allele CA6475298.